The following is an entry in ClinVar:

ClinVar aggregate classification (germline): Pathogenic (1 of 4 stars; one submission).

Conditions:
Schimke immuno-osseous dysplasia (SIOD). Also called: Schimke Immunoosseous Dysplasia. Identifiers: Orphanet 1830, MedGen C0877024, MONDO:0009458, OMIM 242900.

Submission:

Labcorp Genetics (formerly Invitae), Labcorp
Classification: Pathogenic for Schimke immuno-osseous dysplasia. Last evaluated: 2020-09-15. Review status: criteria provided, single submitter. Criteria: Invitae Variant Classification Sherloc (09022015). Collection method: clinical testing. Allele origin: germline.
Comment: For these reasons, this variant has been classified as Pathogenic. Loss-of-function variants in SMARCAL1 are known to be pathogenic (PMID: 11799392, 20301550). This variant has not been reported in the literature in individuals with SMARCAL1-related conditions. This variant is not present in population databases (ExAC no frequency). This sequence change creates a premature translational stop signal (p.Glu422Argfs*6) in the SMARCAL1 gene. It is expected to result in an absent or disrupted protein product.

Literature cited by the submitters: PubMed 11799392; PubMed 20301550.

NM_014140.4(SMARCAL1):c.1263dup (p.Glu422fs)

Gene: SMARCAL1 (SNF2 related chromatin remodeling annealing helicase 1; plus strand). Cytogenetic location: 2q35.
Variant type: Duplication.
Coding change: c.1263dup on transcript NM_014140.4 (MANE Select); coding-DNA position 1263, one base duplicated (A; older notation c.1263dupA).
Protein change: p.Glu422fs; shifts the reading frame from glutamic acid 422.
Molecular consequence: frameshift variant.
Genome position (GRCh38, 1-based): chr2:216,428,711, A duplicated. VCF-style (leftmost placement, unchanged base first): chr2-216428710-C-CA. GRCh37 (hg19) VCF-style: chr2-217293433-C-CA.
Other names: c.1263dup, p.Glu422fs (NM_001127207.2); short protein forms E422fs.
Identifiers: ClinVar variation 1069134 (VCV001069134.7), dbSNP rs2106029249, ClinGen allele CA2499215647.